The following is an entry in ClinVar:

NM_006642.5(SDCCAG8):c.359A>G (p.His120Arg)

Gene: SDCCAG8 (SHH signaling and ciliogenesis regulator SDCCAG8; plus strand). Cytogenetic location: 1q43.
Variant type: single nucleotide variant.
Coding change: c.359A>G on transcript NM_006642.5 (MANE Select); coding-DNA position 359, A replaced by G.
Protein change: p.His120Arg; replaces histidine 120 with arginine.
Molecular consequence: missense variant. On other transcripts: 5 prime UTR variant (3).
Genome position (GRCh38, 1-based): chr1:243,274,595, A>G. VCF-style: chr1-243274595-A-G. GRCh37 (hg19) VCF-style: chr1-243437897-A-G.
Other names: c.-754A>G (NM_001350246.2); c.-642A>G (NM_001350247.2); c.359A>G, p.His120Arg (NM_001350248.2); c.65A>G, p.His22Arg (NM_001350249.2); c.-1015A>G (NM_001350251.2); short protein forms H120R, H22R.
Identifiers: ClinVar variation 1462220 (VCV001462220.4), dbSNP rs778785206, ClinGen allele CA1483287.

ClinVar aggregate classification (germline): Uncertain significance. Review status: criteria provided, multiple submitters, no conflicts (2 of 4 stars). 2 submissions from 2 submitters: Uncertain significance (2). Last evaluated 2023-12-24.

Conditions:
Bardet-Biedl syndrome 16 (BBS16). Identifiers: Orphanet 110, MedGen C3889474, MONDO:0014444, OMIM 615993.
Senior-Loken syndrome 7 (SLSN7). Identifiers: Orphanet 3156, MedGen C3150877, MONDO:0013326, OMIM 613615.

Allele frequency attached by ClinVar (database versions not stated): gnomAD exomes below 0.00001 and 0.00001; ExAC 0.00002; TOPMed 0.00003.
gnomAD v4.1: 8 of 1,611,886 alleles (0.0005%); highest among the groups gnomAD compares: Middle Eastern, 0.034%; no homozygotes.

Submissions (2):

Fulgent Genetics
Classification: Uncertain significance for Senior-Loken syndrome 7; Bardet-Biedl syndrome 16. Last evaluated: 2023-12-24. Review status: criteria provided, single submitter. Criteria: ACMG Guidelines, 2015. Collection method: clinical testing. Allele origin: germline.

Labcorp Genetics (formerly Invitae), Labcorp
Classification: Uncertain significance for Bardet-Biedl syndrome 16; Senior-Loken syndrome 7. Last evaluated: 2022-08-17. Review status: criteria provided, single submitter. Criteria: Invitae Variant Classification Sherloc (09022015). Collection method: clinical testing. Allele origin: germline.
Comment: This sequence change replaces histidine, which is basic and polar, with arginine, which is basic and polar, at codon 120 of the SDCCAG8 protein (p.His120Arg). The frequency data for this variant in the population databases is considered unreliable, as metrics indicate poor data quality at this position in the gnomAD database. This variant has not been reported in the literature in individuals affected with SDCCAG8-related conditions. ClinVar contains an entry for this variant (Variation ID: 1462220). Algorithms developed to predict the effect of missense changes on protein structure and function are either unavailable or do not agree on the potential impact of this missense change (SIFT: "Deleterious"; PolyPhen-2: "Benign"; Align-GVGD: "Class C0"). In summary, the available evidence is currently insufficient to determine the role of this variant in disease. Therefore, it has been classified as a Variant of Uncertain Significance.